The following is an entry in ClinVar:

ClinVar aggregate classification (germline): Likely benign (1 of 4 stars; one submission).

Submission:

Laboratory for Molecular Medicine, Mass General Brigham Personalized Medicine
Classification: Likely benign. Last evaluated: 2016-01-29. Review status: criteria provided, single submitter. Criteria: LMM Criteria. Collection method: clinical testing. Allele origin: germline. Observed: 1 variant allele.
Comment: c.463-13delC variant in intron 3 of GATAD1: This variant is not expected to have clinical significance because it does not cause the splice site sequence to div erge from consensus.

NM_021167.5(GATAD1):c.436-13del

Gene: GATAD1 (GATA zinc finger domain containing 1; plus strand). Cytogenetic location: 7q21.2.
Variant type: Deletion.
Coding change: c.436-13del on transcript NM_021167.5 (MANE Select); 13 bases into the intron before coding-DNA position 436, one base deleted (C; older notation c.436-13delC).
Molecular consequence: intron variant.
Genome position (GRCh38, 1-based): chr7:92,454,489, C deleted. VCF-style (leftmost placement, unchanged base first): chr7-92454488-TC-T. GRCh37 (hg19) VCF-style: chr7-92083802-TC-T.
Identifiers: ClinVar variation 227374 (VCV000227374.4), dbSNP rs876657465, ClinGen allele CA10576734.